The following is an entry in ClinVar:

ClinVar aggregate classification (germline): Likely benign (1 of 4 stars; one submission).

gnomAD v4.1: 10 of 152,184 alleles (0.0066%); highest among the groups gnomAD compares: Non-Finnish European, 0.015%; no homozygotes.

Submission:

CeGaT Center for Human Genetics Tuebingen
Classification: Likely benign. Last evaluated: 2024-11-01. Review status: criteria provided, single submitter. Criteria: CeGaT Center For Human Genetics Tuebingen Variant Classification Criteria Version 2. Collection method: clinical testing. Allele origin: germline. Affected: yes. Observed: 1 variant allele.
Comment: SLC6A3: BP4, BP7

NM_001044.5(SLC6A3):c.1599+200C>T

Genes: SLC6A3 (solute carrier family 6 member 3), LOC126807284 (CDK7 strongly-dependent group 2 enhancer GRCh37_chr5:1404958-1406157). Cytogenetic location: 5p15.33.
Variant type: single nucleotide variant.
Coding change: c.1599+200C>T on transcript NM_001044.5 (MANE Select); 200 bases into the intron after coding-DNA position 1599, C replaced by T.
Molecular consequence: intron variant.
Genome position (GRCh38, 1-based): chr5:1,405,988, G>A on the plus strand (C>T on the coding strand, the complement: SLC6A3 is on the minus strand). VCF-style: chr5-1405988-G-A. GRCh37 (hg19) VCF-style: chr5-1406103-G-A.
Identifiers: ClinVar variation 3390248 (VCV003390248.14).